The following is an entry in ClinVar:

NM_006267.5(RANBP2):c.7760A>G (p.Gln2587Arg)

Gene: RANBP2 (RAN binding protein 2; plus strand). Cytogenetic location: 2q13.
Variant type: single nucleotide variant.
Coding change: c.7760A>G on transcript NM_006267.5 (MANE Select); coding-DNA position 7760, A replaced by G.
Protein change: p.Gln2587Arg; replaces glutamine 2587 with arginine.
Molecular consequence: missense variant.
Genome position (GRCh38, 1-based): chr2:108,768,299, A>G. VCF-style: chr2-108768299-A-G. GRCh37 (hg19) VCF-style: chr2-109384755-A-G.
Other names: short protein forms Q2587R.
Identifiers: ClinVar variation 469488 (VCV000469488.9), dbSNP rs1553498323, ClinGen allele CA348080156.
Genomic context (GRCh38, chr2:108,768,299, plus strand): 5'-GATCTGAAAGCAAAGTGGAACCTAAAAAATGTGAACTGTCAAAGAACTCTGATATCGAAC[A>G]GTCTTCAGATAGCAAAGTCAAAAATCTCTTTGCTTCCTTTCCAACGGAAGAATCTTCAAT-3'
Protein context (NP_006258.3, residues 2577-2597): CELSKNSDIE[Gln2587Arg]SSDSKVKNLF

ClinVar aggregate classification (germline): Uncertain significance (1 of 4 stars; one submission).

Conditions:
Familial acute necrotizing encephalopathy (IIAE3). Also called: Susceptibility to Acute Necrotizing Encephalopathy 1; ENCEPHALOPATHY, ACUTE, INFECTION-INDUCED, SUSCEPTIBILITY TO, 3. Identifiers: Orphanet 88619, MedGen C2675556, MONDO:0011953, OMIM 608033.

Submission:

Labcorp Genetics (formerly Invitae), Labcorp
Classification: Uncertain significance for Familial acute necrotizing encephalopathy. Last evaluated: 2017-04-10. Review status: criteria provided, single submitter. Criteria: Invitae Variant Classification Sherloc (09022015). Collection method: clinical testing. Allele origin: germline.
Comment: This sequence change replaces glutamine with arginine at codon 2587 of the RANBP2 protein (p.Gln2587Arg). The glutamine residue is highly conserved and there is a small physicochemical difference between glutamine and arginine. This variant is not present in population databases (ExAC no frequency) and has not been reported in the literature in individuals with a RANBP2-related disease. In summary, this variant is a novel missense change that is not predicted to affect protein function. There is no indication that it causes disease, but the available evidence is currently insufficient to prove that conclusively. Therefore, it has been classified as a Variant of Uncertain Significance. Algorithms developed to predict the effect of missense changes on protein structure and function (SIFT, PolyPhen-2, Align-GVGD) all suggest that this variant is likely to be tolerated, but these predictions have not been confirmed by published functional studies.